The following is an entry in ClinVar:

NM_001005242.3(PKP2):c.1114G>C (p.Ala372Pro)

Gene: PKP2 (plakophilin 2; minus strand). Cytogenetic location: 12p11.21.
Variant type: single nucleotide variant.
Coding change: c.1114G>C on transcript NM_001005242.3 (MANE Select); coding-DNA position 1114, G replaced by C.
Protein change: p.Ala372Pro; replaces alanine 372 with proline.
Molecular consequence: missense variant.
Genome position (GRCh38, 1-based): chr12:32,868,983, C>G on the plus strand (G>C on the coding strand, the complement: PKP2 is on the minus strand). VCF-style: chr12-32868983-C-G. GRCh37 (hg19) VCF-style: chr12-33021917-C-G.
Other names: p.A372P:GCT>CCT; c.1114G>C, p.Ala372Pro (NM_004572.4); short protein forms A372P.
Identifiers: ClinVar variation 45007 (VCV000045007.78), dbSNP rs200586695, ClinGen allele CA010783.

ClinVar aggregate classification (germline): Conflicting classifications of pathogenicity. Review status: criteria provided, conflicting classifications (1 of 4 stars). 14 submissions from 14 submitters: Uncertain significance (1); Benign (1); Likely benign (11). 1 of the submissions does not count toward it. Last evaluated 2026-01-27.

Conditions:
PKP2-related disorder. Also called: PKP2-related condition.
Cardiovascular phenotype. Identifiers: MedGen CN230736.
Arrhythmogenic right ventricular cardiomyopathy (ARVD). Also called: Arrhythmogenic right ventricular dysplasia; Cardiomyopathy, ARVC; Arrhythmogenic cardiomyopathy; Arrhythmogenic Right Ventricular Cardiomyopathy (ARVC). Identifiers: Orphanet 247, MedGen C0349788, MeSH D019571, MONDO:0016587. Disease mechanism: loss of function. Inheritance: Various modes of inheritance.
Cardiomyopathy (CMYO). Also called: Cardiomyopathies. Identifiers: Orphanet 167848, MedGen C0878544, MONDO:0004994, HP:0001638. Inheritance: Various modes of inheritance.
Arrhythmogenic right ventricular dysplasia 9 (ARVD9). Also called: Arrhythmogenic Right Ventricular Dysplasia/Cardiomyopathy 9; ARRHYTHMOGENIC RIGHT VENTRICULAR DYSPLASIA, FAMILIAL, 9. Identifiers: MedGen C1836906, MONDO:0012180, OMIM 609040.

Allele frequency attached by ClinVar (database versions not stated): TOPMed 0.00041; ESP Exome Variant Server 0.00046.
gnomAD v4.1: 712 of 1,613,884 alleles (0.044%); highest among the groups gnomAD compares: Non-Finnish European, 0.047%; 1 homozygote.

Submissions (16):

Labcorp Genetics (formerly Invitae), Labcorp
Classification: Likely benign for Arrhythmogenic right ventricular dysplasia 9. Last evaluated: 2026-01-27. Review status: criteria provided, single submitter. Criteria: Invitae Variant Classification Sherloc (09022015). Collection method: clinical testing. Allele origin: germline.

Women's Health and Genetics/Laboratory Corporation of America, LabCorp
Classification: Likely benign. Last evaluated: 2025-11-18. Review status: criteria provided, single submitter. Criteria: LabCorp Variant Classification Summary - May 2015. Collection method: clinical testing. Allele origin: germline.
Comment: Variant summary: PKP2 c.1114G>C (p.Ala372Pro) results in a non-conservative amino acid change in the encoded protein sequence. Algorithms developed to predict the effect of missense changes on protein structure and function are either unavailable or do not agree on the potential impact of this missense change. The variant allele was found at a frequency of 0.00059 in 251346 control chromosomes. The observed variant frequency exceeds the estimated maximal expected allele frequency for disease-causing variants in PKP2. c.1114G>C has been observed in individuals affected with Arrhythmia (Xu_2010, Quarta_2011, Kant_2016, Maltese_2019), it was also reported in healthy controls (Xu_2010, Andreasen_2013). In addition, in most of the affected individuals/families carrying the variant, other (potentially) pathogenic variants were also present that could likely explain the disease phenotype (Xu_2010, Quarta_2011, Kant_2016); thus providing supporting evidence for a benign role. To our knowledge, no experimental evidence demonstrating an impact on protein function has been reported. The following publications have been ascertained in the context of this evaluation (PMID: 20152563, 21606390, 23299917, 31539150, 26676851). ClinVar contains an entry for this variant (Variation ID: 45007). Based on the evidence outlined above, the variant was classified as likely benign.

CeGaT Center for Human Genetics Tuebingen
Classification: Likely benign. Last evaluated: 2025-11-01. Review status: criteria provided, single submitter. Criteria: CeGaT Center For Human Genetics Tuebingen Variant Classification Criteria Version 2. Collection method: clinical testing. Allele origin: germline. Affected: yes. Observed: 6 variant alleles.
Comment: PKP2: BP4, BS1

Laboratory of Genetics, Children's Clinical University Hospital Latvia
Classification: Likely benign. Last evaluated: 2025-02-16. Review status: criteria provided, single submitter. Criteria: ACMG Guidelines, 2015. Collection method: clinical testing. Allele origin: germline. Affected: yes.

Blueprint Genetics
Classification: Benign. Last evaluated: 2024-11-26. Review status: criteria provided, single submitter. Criteria: ACMG Guidelines, 2015. Collection method: clinical testing. Allele origin: germline.

All of Us Research Program, National Institutes of Health
Classification: Likely benign for Arrhythmogenic right ventricular cardiomyopathy. Last evaluated: 2024-09-27. Review status: criteria provided, single submitter. Criteria: ACMG Guidelines, 2015. Collection method: clinical testing. Allele origin: germline. Inheritance: Autosomal dominant inheritance. Observed: 209 variant alleles, 209 heterozygotes.
Comment: This study involves interpretation of variants in research participants for the purpose of population health screening. Participant phenotype was not available at the time of variant classification. Additional details can be found in publication PMID: 35346344, PMCID: PMC8962531

GeneDx
Classification: Likely benign. Last evaluated: 2022-08-15. Review status: criteria provided, single submitter. Criteria: GeneDx Variant Classification Process June 2021. Collection method: clinical testing. Allele origin: germline. Affected: yes.
Comment: See Variant Classification Assertion Criteria.

Ambry Genetics
Classification: Likely benign for Cardiovascular phenotype. Last evaluated: 2020-03-19. Review status: criteria provided, single submitter. Criteria: Ambry Variant Classification Scheme 2023. Collection method: clinical testing. Allele origin: germline.

Color Diagnostics, LLC DBA Color Health
Classification: Likely benign for Cardiomyopathy. Last evaluated: 2018-06-18. Review status: criteria provided, single submitter. Criteria: ACMG Guidelines, 2015. Collection method: clinical testing. Allele origin: germline.

CHEO Genetics Diagnostic Laboratory, Children's Hospital of Eastern Ontario
Classification: Likely benign for Cardiomyopathy. Last evaluated: 2017-09-14. Review status: criteria provided, single submitter. Criteria: ACMG Guidelines, 2015. Collection method: clinical testing. Allele origin: germline. Study: Canadian Open Genetics Repository.

ARUP Laboratories, Molecular Genetics and Genomics, ARUP Laboratories
Classification: Likely benign. Last evaluated: 2017-03-17. Review status: criteria provided, single submitter. Criteria: ARUP Molecular Germline Variant Investigation Process. Collection method: clinical testing. Allele origin: germline.

Laboratory for Molecular Medicine, Mass General Brigham Personalized Medicine
Classification: Uncertain significance. Last evaluated: 2014-03-14. Review status: criteria provided, single submitter. Criteria: LMM Criteria. Collection method: clinical testing. Allele origin: germline. Observed: 2 variant alleles.
Comment: The Ala372Pro in PKP2 has been reported in six probands with ARVC (den Haan 2009 , Xu 2010, Gehmlich 2011, Quarta 2011, LMM unpublished data), two of whom carrie d another variant likely to explain disease (Xu 2010 and Gehmlich 2011). This va riant has also been identified in 0.07% (6/8600) European American chromosomes b y the NHLBI Exome Sequencing Project (dbSNP rs2005 86695). Computational prediction tools and conservation analyses suggest that th is variant may be benign though their accuracy is unknown. Additional studies ar e needed to fully assess its clinical significance.

Biesecker Lab/Clinical Genomics Section, National Institutes of Health
Classification: Likely benign for Arrhythmogenic right ventricular cardiomyopathy. Last evaluated: 2013-06-24. Review status: criteria provided, single submitter. Criteria: Ng et al. (Circ Cardiovasc Genet. 2013). Collection method: research. Allele origin: unknown. Observed: 1 variant allele. Study: ClinSeq.
Comment: The study set was not selected for affection status in relation to any cancer. HGMD phenotype assertion is uncertain. Pathogenicity categories were based on literature curation. See Pubmed ID:23861362 for details.

Medical sequencing

PreventionGenetics, part of Exact Sciences
Classification: Likely benign for PKP2-related condition. Last evaluated: 2023-07-22. Review status: no assertion criteria provided. Collection method: clinical testing. Allele origin: germline. Not counted in ClinVar's aggregate classification.
Comment: This variant is classified as likely benign based on ACMG/AMP sequence variant interpretation guidelines (Richards et al. 2015 PMID: 25741868, with internal and published modifications).

Dr. Peter K. Rogan Lab, Western University
No classification provided (evidence only). Condition: Colorectal cancer. Review status: no classification provided. Collection method: in vitro. Allele origin: not applicable. Functional consequence: skipped exon. Not counted in ClinVar's aggregate classification.

Dr. Peter K. Rogan Lab, Western University
No classification provided (evidence only). Condition: Uterine corpus endometrial carcinoma. Review status: no classification provided. Collection method: in vitro. Allele origin: not applicable. Functional consequence: skipped exon. Not counted in ClinVar's aggregate classification.

Literature cited by the submitters: PubMed 20152563 (cited by 3 submitters); PubMed 21606390 (cited by 3 submitters); PubMed 23299917 (cited by Women's Health and Genetics/Laboratory Corporation of America, LabCorp and Ambry Genetics); PubMed 31539150 (cited by Women's Health and Genetics/Laboratory Corporation of America, LabCorp); PubMed 26676851 (cited by Women's Health and Genetics/Laboratory Corporation of America, LabCorp and Ambry Genetics); PubMed 20031617 (cited by Ambry Genetics and Laboratory for Molecular Medicine, Mass General Brigham Personalized Medicine); PubMed 20857253 (cited by Ambry Genetics); PubMed 21062920 (cited by Ambry Genetics and Laboratory for Molecular Medicine, Mass General Brigham Personalized Medicine).